The following is an entry in ClinVar:

NM_007194.4(CHEK2):c.963A>C (p.Glu321Asp)

Gene: CHEK2 (checkpoint kinase 2; minus strand). Cytogenetic location: 22q12.1.
Variant type: single nucleotide variant.
Coding change: c.963A>C on transcript NM_007194.4 (MANE Select); coding-DNA position 963, A replaced by C.
Protein change: p.Glu321Asp; replaces glutamic acid 321 with aspartic acid.
Molecular consequence: missense variant.
Genome position (GRCh38, 1-based): chr22:28,699,883, T>G on the plus strand (A>C on the coding strand, the complement: CHEK2 is on the minus strand). VCF-style: chr22-28699883-T-G. GRCh37 (hg19) VCF-style: chr22-29095871-T-G.
Other names: c.1092A>C, p.Glu364Asp (NM_001005735.3); c.300A>C, p.Glu100Asp (NM_001257387.3); c.762A>C, p.Glu254Asp (NM_001349956.3); c.963A>C, p.Glu321Asp (NM_145862.3); short protein forms E321D, E364D, E100D, E254D.
Identifiers: ClinVar variation 231952 (VCV000231952.8), dbSNP rs876659458, ClinGen allele CA10581059.

ClinVar aggregate classification (germline): Uncertain significance. Review status: criteria provided, multiple submitters, no conflicts (2 of 4 stars). 2 submissions from 2 submitters: Uncertain significance (2). Last evaluated 2024-03-19.

Conditions:
Familial cancer of breast. Also called: BREAST CANCER, FAMILIAL; hereditary breast carcinoma; Hereditary breast cancer. Identifiers: Orphanet 227535, MedGen C0346153, MONDO:0016419, OMIM 114480. Disease mechanism: loss of function.
Hereditary cancer-predisposing syndrome. Also called: Neoplastic Syndromes, Hereditary; Tumor predisposition; Hereditary Cancer Syndrome; Hereditary neoplastic syndrome. Identifiers: Orphanet 140162, MedGen C0027672, MeSH D009386, MONDO:0015356.

Submissions (2):

Labcorp Genetics (formerly Invitae), Labcorp
Classification: Uncertain significance for Familial cancer of breast. Last evaluated: 2024-03-19. Review status: criteria provided, single submitter. Criteria: Invitae Variant Classification Sherloc (09022015). Collection method: clinical testing. Allele origin: germline.
Comment: This sequence change replaces glutamic acid, which is acidic and polar, with aspartic acid, which is acidic and polar, at codon 321 of the CHEK2 protein (p.Glu321Asp). This variant is not present in population databases (gnomAD no frequency). This variant has not been reported in the literature in individuals affected with CHEK2-related conditions. ClinVar contains an entry for this variant (Variation ID: 231952). An algorithm developed to predict the effect of missense changes on protein structure and function (PolyPhen-2) suggests that this variant is likely to be tolerated. In summary, the available evidence is currently insufficient to determine the role of this variant in disease. Therefore, it has been classified as a Variant of Uncertain Significance.

Ambry Genetics
Classification: Uncertain significance for Hereditary cancer-predisposing syndrome. Last evaluated: 2022-12-21. Review status: criteria provided, single submitter. Criteria: Ambry Variant Classification Scheme 2023. Collection method: clinical testing. Allele origin: germline.
Comment: The p.E321D variant (also known as c.963A>C), located in coding exon 8 of the CHEK2 gene, results from an A to C substitution at nucleotide position 963. The glutamic acid at codon 321 is replaced by aspartic acid, an amino acid with highly similar properties. This amino acid position is well conserved in available vertebrate species. In addition, the in silico prediction for this alteration is inconclusive. Since supporting evidence is limited at this time, the clinical significance of this alteration remains unclear.